The following is an entry in ClinVar:

ClinVar aggregate classification (germline): Uncertain significance (1 of 4 stars; one submission).

Conditions:
Hereditary cancer-predisposing syndrome. Also called: Tumor predisposition; Neoplastic Syndromes, Hereditary; Hereditary neoplastic syndrome; Hereditary Cancer Syndrome. Identifiers: Orphanet 140162, MedGen C0027672, MeSH D009386, MONDO:0015356.

Submission:

Ambry Genetics
Classification: Uncertain significance for Hereditary cancer-predisposing syndrome. Last evaluated: 2024-08-07. Review status: criteria provided, single submitter. Criteria: Ambry Variant Classification Scheme 2023. Collection method: clinical testing. Allele origin: germline.
Comment: The p.L318P variant (also known as c.953T>C), located in coding exon 7 of the ATM gene, results from a T to C substitution at nucleotide position 953. The leucine at codon 318 is replaced by proline, an amino acid with similar properties. This amino acid position is conserved. In addition, the in silico prediction for this alteration is inconclusive. Based on the available evidence, the clinical significance of this variant remains unclear.

NM_000051.4(ATM):c.953T>C (p.Leu318Pro)

Gene: ATM (ATM serine/threonine kinase; plus strand). Cytogenetic location: 11q22.3.
Variant type: single nucleotide variant.
Coding change: c.953T>C on transcript NM_000051.4 (MANE Select); coding-DNA position 953, T replaced by C.
Protein change: p.Leu318Pro; replaces leucine 318 with proline.
Molecular consequence: missense variant.
Genome position (GRCh38, 1-based): chr11:108,247,015, T>C. VCF-style: chr11-108247015-T-C. GRCh37 (hg19) VCF-style: chr11-108117742-T-C.
Other names: c.953T>C, p.Leu318Pro (NM_001351834.2); short protein forms L318P.
Identifiers: ClinVar variation 3450550 (VCV003450550.1).